The following is an entry in ClinVar:

ClinVar aggregate classification (germline): Uncertain significance. Review status: criteria provided, multiple submitters, no conflicts (2 of 4 stars). 4 submissions from 4 submitters: Uncertain significance (4). Last evaluated 2026-04-21.

Conditions:
Bardet-Biedl syndrome 14 (BBS14). Identifiers: Orphanet 110, MedGen C2673874, MONDO:0014442, OMIM 615991.
Leber congenital amaurosis 10 (LCA10). Identifiers: Orphanet 65, MedGen C1857821, MONDO:0012723, OMIM 611755.
Joubert syndrome 5 (JBTS5). Identifiers: Orphanet 2318, MedGen C1857780, MONDO:0012432, OMIM 610188.
Senior-Loken syndrome 6 (SLSN6). Identifiers: Orphanet 3156, MedGen C1857779, MONDO:0012433, OMIM 610189.
Meckel syndrome, type 4 (MKS4). Also called: MECKEL-GRUBER SYNDROME, TYPE 4. Identifiers: Orphanet 564, MedGen C1970161, MONDO:0012626, OMIM 611134.
Nephronophthisis. Also called: Juvenile Nephronophthisis. Identifiers: Orphanet 655, MedGen C0687120, MONDO:0019005, HP:0000090.
Meckel-Gruber syndrome. Also called: DYSENCEPHALIA SPLANCHNOCYSTICA; Dysencephalia splachnocystica; GRUBER SYNDROME. Identifiers: Orphanet 564, MedGen C0265215, MONDO:0018921.
Joubert syndrome. Also called: Familial aplasia of the vermis; JOUBERT-BOLTSHAUSER SYNDROME. Identifiers: Orphanet 475, MedGen C5979921, MONDO:0018772.
CEP290-related disorder. Also called: CEP290-related condition; CEP290-related disorders. Identifiers: MedGen CN239314.

Allele frequency attached by ClinVar (database versions not stated): gnomAD exomes 0.00001; TOPMed 0.00001.
gnomAD v4.1: 13 of 1,612,000 alleles (0.00081%); highest among the groups gnomAD compares: Non-Finnish European, 0.0011%; no homozygotes.

Submissions (4):

PreventionGenetics, part of Exact Sciences
Classification: Uncertain significance for CEP290-related condition. Last evaluated: 2026-04-21. Review status: criteria provided, single submitter. Criteria: ACMG Guidelines, 2015. Collection method: clinical testing. Allele origin: germline.
Comment: The CEP290 c.5921T>C variant is predicted to result in the amino acid substitution p.Val1974Ala. To our knowledge, this variant has not been reported in the literature. This variant is reported in 0.0018% of alleles in individuals of European (Non-Finnish) descent in gnomAD. At this time, the clinical significance of this variant is uncertain due to the absence of conclusive functional and genetic evidence.

Labcorp Genetics (formerly Invitae), Labcorp
Classification: Uncertain significance for Joubert syndrome; Meckel-Gruber syndrome; Nephronophthisis. Last evaluated: 2024-02-05. Review status: criteria provided, single submitter. Criteria: Invitae Variant Classification Sherloc (09022015). Collection method: clinical testing. Allele origin: germline.
Comment: This sequence change replaces valine, which is neutral and non-polar, with alanine, which is neutral and non-polar, at codon 1974 of the CEP290 protein (p.Val1974Ala). This variant is present in population databases (no rsID available, gnomAD 0.002%). This variant has not been reported in the literature in individuals affected with CEP290-related conditions. ClinVar contains an entry for this variant (Variation ID: 952982). Advanced modeling of protein sequence and biophysical properties (such as structural, functional, and spatial information, amino acid conservation, physicochemical variation, residue mobility, and thermodynamic stability) performed at Invitae indicates that this missense variant is expected to disrupt CEP290 protein function with a positive predictive value of 80%. In summary, the available evidence is currently insufficient to determine the role of this variant in disease. Therefore, it has been classified as a Variant of Uncertain Significance.

Fulgent Genetics
Classification: Uncertain significance for Joubert syndrome 5; Senior-Loken syndrome 6; Meckel syndrome, type 4; Leber congenital amaurosis 10; Bardet-Biedl syndrome 14. Last evaluated: 2021-12-14. Review status: criteria provided, single submitter. Criteria: ACMG Guidelines, 2015. Collection method: clinical testing. Allele origin: unknown.

Blueprint Genetics
Classification: Uncertain significance. Last evaluated: 2020-02-04. Review status: criteria provided, single submitter. Criteria: ACMG Guidelines, 2015. Collection method: clinical testing. Allele origin: germline.

NM_025114.4(CEP290):c.5921T>C (p.Val1974Ala)

Gene: CEP290 (centrosomal protein 290; minus strand). Cytogenetic location: 12q21.32.
Variant type: single nucleotide variant.
Coding change: c.5921T>C on transcript NM_025114.4 (MANE Select); coding-DNA position 5921, T replaced by C.
Protein change: p.Val1974Ala; replaces valine 1974 with alanine.
Molecular consequence: missense variant.
Genome position (GRCh38, 1-based): chr12:88,071,384, A>G on the plus strand (T>C on the coding strand, the complement: CEP290 is on the minus strand). VCF-style: chr12-88071384-A-G. GRCh37 (hg19) VCF-style: chr12-88465161-A-G.
Other names: short protein forms V1974A.
Identifiers: ClinVar variation 952982 (VCV000952982.8), dbSNP rs1354836663, ClinGen allele CA385983811.
Genomic context (GRCh38, chr12:88,071,384, plus strand): 5'-AGATTTCTCTTTTTTAATTCTTCCAATTCTTTTTCTGACTCCAAAGCTCGTATTCCCAAA[A>G]CCTGATCAACAGTCATGCCAGTTGTTTTTAGTTTCCTCTGCAAAGTAAGTTTCTCTTTAT-3'
Protein context (NP_079390.3, residues 1964-1984): LKTTGMTVDQ[Val1974Ala]LGIRALESEK